The following is an entry in ClinVar:

ClinVar aggregate classification (germline): Uncertain significance. Review status: criteria provided, multiple submitters, no conflicts (2 of 4 stars). 3 submissions from 3 submitters: Uncertain significance (3). Last evaluated 2025-06-10.

Conditions:
Cardiovascular phenotype. Identifiers: MedGen CN230736.
Wolman disease (WOLD). Also called: Wolman disease, CESD; LYSOSOMAL ACID LIPASE DEFICIENCY, ACUTE INFANTILE; LYSOSOMAL ACID LIPASE DEFICIENCY, COMPLETE; LIPA DEFICIENCY, COMPLETE; LAL DEFICIENCY, COMPLETE; CHOLESTEROL ESTER HYDROLASE DEFICIENCY, COMPLETE. Identifiers: Orphanet 75233, MedGen C0043208, MONDO:0019148, OMIM 620151.

Allele frequency attached by ClinVar (database versions not stated): gnomAD exomes 0.00002 and 0.00003; TOPMed 0.00003; ExAC 0.00001; gnomAD 0.00003 and 0.00004.
gnomAD v4.1: 45 of 1,611,906 alleles (0.0028%); highest among the groups gnomAD compares: Non-Finnish European, 0.0036%; no homozygotes.

Submissions (3):

Ambry Genetics
Classification: Uncertain significance for Cardiovascular phenotype. Last evaluated: 2025-06-10. Review status: criteria provided, single submitter. Criteria: Ambry Variant Classification Scheme 2023. Collection method: clinical testing. Allele origin: germline.

Labcorp Genetics (formerly Invitae), Labcorp
Classification: Uncertain significance for Wolman disease. Last evaluated: 2022-09-01. Review status: criteria provided, single submitter. Criteria: Invitae Variant Classification Sherloc (09022015). Collection method: clinical testing. Allele origin: germline.
Comment: This sequence change replaces glutamic acid, which is acidic and polar, with aspartic acid, which is acidic and polar, at codon 269 of the LIPA protein (p.Glu269Asp). This variant is present in population databases (rs746973509, gnomAD 0.008%). This variant has not been reported in the literature in individuals affected with LIPA-related conditions. ClinVar contains an entry for this variant (Variation ID: 594379). Algorithms developed to predict the effect of missense changes on protein structure and function are either unavailable or do not agree on the potential impact of this missense change (SIFT: "Tolerated"; PolyPhen-2: "Probably Damaging"; Align-GVGD: "Class C0"). In summary, the available evidence is currently insufficient to determine the role of this variant in disease. Therefore, it has been classified as a Variant of Uncertain Significance.

Eurofins Ntd Llc (ga)
Classification: Uncertain significance. Last evaluated: 2017-10-04. Review status: criteria provided, single submitter. Criteria: EGL Classification Definitions 2015. Collection method: clinical testing. Allele origin: germline. Observed: 1 variant allele, 1 heterozygote.

NM_000235.4(LIPA):c.807G>C (p.Glu269Asp)

Gene: LIPA (lipase A, lysosomal acid type; minus strand). Cytogenetic location: 10q23.31.
Variant type: single nucleotide variant.
Coding change: c.807G>C on transcript NM_000235.4 (MANE Select); coding-DNA position 807, G replaced by C.
Protein change: p.Glu269Asp; replaces glutamic acid 269 with aspartic acid.
Molecular consequence: missense variant.
Genome position (GRCh38, 1-based): chr10:89,223,699, C>G on the plus strand (G>C on the coding strand, the complement: LIPA is on the minus strand). VCF-style: chr10-89223699-C-G. GRCh37 (hg19) VCF-style: chr10-90983456-C-G.
Other names: c.807G>C, p.Glu269Asp (NM_001127605.3); c.459G>C, p.Glu153Asp (NM_001288979.2); c.807G>C (NM_000235.2); short protein forms E269D, E153D.
Identifiers: ClinVar variation 594379 (VCV000594379.10), dbSNP rs746973509, ClinGen allele CA5593614.
Genomic context (GRCh38, chr10:89,223,699, plus strand): 5'-TCACAGATAAAAAAAAAAATCAAATCTTACTATAAACATGCATACCATATTTAAATTTCT[C>G]TCATTAAATCCACACAGAAGAAAACAGAGATTTCCACAGAGCTCCTTCAGTATGACATGA-3'
Protein context (NP_000226.2, residues 259-279): NLCFLLCGFN[Glu269Asp]RNLNMSRVDV